The following is an entry in ClinVar:

ClinVar aggregate classification (germline): Benign (1 of 4 stars; one submission).

Conditions:
Deafness-lymphedema-leukemia syndrome. Also called: Lymphedema, primary, with myelodysplasia; Emberger syndrome. Identifiers: Orphanet 3226, MedGen C3279664, MONDO:0013540, OMIM 614038.

Allele frequency attached by ClinVar (database versions not stated): TOPMed 0.00255; gnomAD 0.00208 and 0.00220; 1000 Genomes Project 30x 0.00265; gnomAD exomes 0.00046; 1000 Genomes Project 0.00280.

Submission:

Illumina Laboratory Services, Illumina
Classification: Benign for Deafness-lymphedema-leukemia syndrome. Last evaluated: 2018-01-13. Review status: criteria provided, single submitter. Criteria: ICSL Variant Classification Criteria 13 December 2019. Collection method: clinical testing. Allele origin: germline.
Comment: This variant was observed in the ICSL laboratory as part of a predisposition screen in an ostensibly healthy population. It had not been previously curated by ICSL or reported in the Human Gene Mutation Database (HGMD: prior to June 1st, 2018), and was therefore a candidate for classification through an automated scoring system. Utilizing variant allele frequency, disease prevalence and penetrance estimates, and inheritance mode, an automated score was calculated to assess if this variant is too frequent to cause the disease. Based on the score and internal cut-off values, a variant classified as benign is not then subjected to further curation. The score for this variant resulted in a classification of benign for this disease.

NM_032638.5(GATA2):c.*1080G>A

Gene: GATA2 (GATA binding protein 2; minus strand). Cytogenetic location: 3q21.3.
Variant type: single nucleotide variant.
Coding change: c.*1080G>A on transcript NM_032638.5 (MANE Select); 1080 bases downstream of the stop codon, G replaced by A.
Molecular consequence: 3 prime UTR variant.
Genome position (GRCh38, 1-based): chr3:128,479,939, C>T on the plus strand (G>A on the coding strand, the complement: GATA2 is on the minus strand). VCF-style: chr3-128479939-C-T. GRCh37 (hg19) VCF-style: chr3-128198782-C-T.
Other names: c.*1080G>A (NM_001145661.2, NM_001145662.1).
Identifiers: ClinVar variation 343114 (VCV000343114.5), dbSNP rs115799885, ClinGen allele CA10617136.